The following is an entry in ClinVar:

ClinVar aggregate classification (germline): Uncertain significance (1 of 4 stars; one submission).

Conditions:
Familial hemophagocytic lymphohistiocytosis 3 (FHL3). Also called: UNC13D-Related Familial Hemophagocytic Lymphohistiocytosis (UNC13D-fHLH). Identifiers: Orphanet 540, MedGen C1837174, MONDO:0012146, OMIM 608898.

Submission:

Labcorp Genetics (formerly Invitae), Labcorp
Classification: Uncertain significance for Familial hemophagocytic lymphohistiocytosis 3. Last evaluated: 2022-04-07. Review status: criteria provided, single submitter. Criteria: Invitae Variant Classification Sherloc (09022015). Collection method: clinical testing. Allele origin: germline.
Comment: In summary, the available evidence is currently insufficient to determine the role of this variant in disease. Therefore, it has been classified as a Variant of Uncertain Significance. Algorithms developed to predict the effect of missense changes on protein structure and function are either unavailable or do not agree on the potential impact of this missense change (SIFT: "Not Available"; PolyPhen-2: "Probably Damaging"; Align-GVGD: "Not Available"). This variant has not been reported in the literature in individuals affected with UNC13D-related conditions. This sequence change replaces tryptophan, which is neutral and slightly polar, with cysteine, which is neutral and slightly polar, at codon 205 of the UNC13D protein (p.Trp205Cys). This variant is not present in population databases (gnomAD no frequency).

NM_199242.3(UNC13D):c.615G>C (p.Trp205Cys)

Gene: UNC13D (unc-13 homolog D; minus strand). Cytogenetic location: 17q25.1.
Variant type: single nucleotide variant.
Coding change: c.615G>C on transcript NM_199242.3 (MANE Select); coding-DNA position 615, G replaced by C.
Protein change: p.Trp205Cys; replaces tryptophan 205 with cysteine.
Molecular consequence: missense variant.
Genome position (GRCh38, 1-based): chr17:75,840,830, C>G on the plus strand (G>C on the coding strand, the complement: UNC13D is on the minus strand). VCF-style: chr17-75840830-C-G. GRCh37 (hg19) VCF-style: chr17-73836911-C-G.
Other names: short protein forms W205C.
Identifiers: ClinVar variation 2122646 (VCV002122646.4), dbSNP rs2545985857, ClinGen allele CA401111598.